The following is an entry in ClinVar:

ClinVar aggregate classification (germline): Uncertain significance (1 of 4 stars; one submission).

Conditions:
CEP164-related disorder. Also called: CEP164-related condition.

Submission:

PreventionGenetics, part of Exact Sciences
Classification: Uncertain significance for CEP164-related condition. Last evaluated: 2026-06-22. Review status: criteria provided, single submitter. Criteria: ACMG Guidelines, 2015. Collection method: clinical testing. Allele origin: germline.
Comment: The CEP164 c.3770C>A variant is predicted to result in the amino acid substitution p.Thr1257Asn. To our knowledge, this variant has not been reported in the literature or in a large population database (gnomAD), indicating this variant is rare. At this time, the clinical significance of this variant is uncertain due to the absence of conclusive functional and genetic evidence.

NM_014956.5(CEP164):c.3770C>A (p.Thr1257Asn)

Gene: CEP164 (centrosomal protein 164; plus strand). Cytogenetic location: 11q23.3.
Variant type: single nucleotide variant.
Coding change: c.3770C>A on transcript NM_014956.5 (MANE Select); coding-DNA position 3770, C replaced by A.
Protein change: p.Thr1257Asn; replaces threonine 1257 with asparagine.
Molecular consequence: missense variant.
Genome position (GRCh38, 1-based): chr11:117,409,639, C>A. VCF-style: chr11-117409639-C-A. GRCh37 (hg19) VCF-style: chr11-117280355-C-A.
Other names: c.3755C>A, p.Thr1252Asn (NM_001271933.2); c.3776C>A, p.Thr1259Asn (NM_001440949.1); c.3770C>A, p.Thr1257Asn (NM_001440950.1, NM_001440951.1); c.3761C>A, p.Thr1254Asn (NM_001440952.1); c.3746C>A, p.Thr1249Asn (NM_001440953.1); c.3692C>A, p.Thr1231Asn (NM_001440954.1, NM_001440955.1); c.3683C>A, p.Thr1228Asn (NM_001440956.1); c.3680C>A, p.Thr1227Asn (NM_001440957.1); and 21 more; short protein forms T1129N, T1132N, T1138N, T1173N, T1179N, T1181N, T1182N, T1201N.
Identifiers: ClinVar variation 4989796 (VCV004989796.1).
Genomic context (GRCh38, chr11:117,409,639, plus strand): 5'-GCTTGAGTCCCTTCCCACCATCCACCTCTTTTCTTTCAGTCGACTCAACCCCGAGTCTCA[C>A]CTCCCGCAAGATCCACGGGCTTAGCCACTCCCTCCGGCAGATCAGCAGCCAGCTGAGCAG-3'
Protein context (NP_055771.4, residues 1247-1267): QQRIDSTPSL[Thr1257Asn]SRKIHGLSHS